The following is an entry in ClinVar:

NM_005084.4(PLA2G7):c.151T>A (p.Phe51Ile)

Gene: PLA2G7 (phospholipase A2 group VII; minus strand). Cytogenetic location: 6p12.3.
Variant type: single nucleotide variant.
Coding change: c.151T>A on transcript NM_005084.4 (MANE Select); coding-DNA position 151, T replaced by A.
Protein change: p.Phe51Ile; replaces phenylalanine 51 with isoleucine.
Molecular consequence: missense variant.
Genome position (GRCh38, 1-based): chr6:46,717,055, A>T on the plus strand (T>A on the coding strand, the complement: PLA2G7 is on the minus strand). VCF-style: chr6-46717055-A-T. GRCh37 (hg19) VCF-style: chr6-46684792-A-T.
Other names: c.151T>A, p.Phe51Ile (NM_001168357.2); short protein forms F51I.
Identifiers: ClinVar variation 3044279 (VCV003044279.2), dbSNP rs145315433, ClinGen allele CA3840492.
Genomic context (GRCh38, chr6:46,717,055, plus strand): 5'-TTAAGTCTGTACAACCAACGGAATAAGGCCCATTTCCCCGGGGGATTTTAGTTTGGCCAA[A>T]GCTTGCAGCAGCCATCAGTACTTGTATTTTGTTGACCCATGCTGAAAAACAGGTAAATAT-3'
Protein context (NP_005075.3, residues 41-61): KIQVLMAAAS[Phe51Ile]GQTKIPRGNG

ClinVar aggregate classification (germline): Likely benign (0 of 4 stars; one submission).

Conditions:
PLA2G7-related disorder. Also called: PLA2G7-related condition.

Allele frequency attached by ClinVar (database versions not stated): 1000 Genomes Project 30x 0.00016; 1000 Genomes Project 0.00020; gnomAD 0.00135; TOPMed 0.00141; ExAC 0.00205; ESP Exome Variant Server 0.00261.
gnomAD v4.1: 2,744 of 1,613,852 alleles (0.17%); highest among the groups gnomAD compares: Non-Finnish European, 0.17%; 3 homozygotes.

Submission:

PreventionGenetics, part of Exact Sciences
Classification: Likely benign for PLA2G7-related condition. Last evaluated: 2022-04-01. Review status: no assertion criteria provided. Collection method: clinical testing. Allele origin: germline.
Comment: This variant is classified as likely benign based on ACMG/AMP sequence variant interpretation guidelines (Richards et al. 2015 PMID: 25741868, with internal and published modifications).